The following is an entry in ClinVar:

NM_000284.4(PDHA1):c.1173_*5del (p.Ter391Xaa)

Gene: PDHA1 (pyruvate dehydrogenase E1 subunit alpha 1; plus strand). Cytogenetic location: Xp22.12.
Variant type: Deletion.
Coding change: c.1173_*5del on transcript NM_000284.4 (MANE Select); coding-DNA position 1173 through 5 bases downstream of the stop codon, 6 bases deleted (AGGGGA; older notation c.1173_*5delAGGGGA).
Protein change: p.Ter391Xaa.
Molecular consequence: stop lost.
Genome position (GRCh38, 1-based): chrX:19,359,653-19,359,658, AGGGGA deleted; deleting any 6 consecutive bases within chrX:19,359,652-19,359,658 gives the same sequence; the c. name uses the placement nearest the transcript's 3' end. VCF-style (leftmost placement, unchanged base first): chrX-19359651-TAAGGGG-T. GRCh37 (hg19) VCF-style: chrX-19377769-TAAGGGG-T.
Other names: c.1287_*5del, p.Ter429Xaa (NM_001173454.2); c.1194_*5del, p.Ter398Xaa (NM_001173455.2); c.1080_*5del, p.Ter360Xaa (NM_001173456.2).
Identifiers: ClinVar variation 421578 (VCV000421578.44), dbSNP rs762505127, ClinGen allele CA10363224.

ClinVar aggregate classification (germline): Conflicting classifications of pathogenicity. Review status: criteria provided, conflicting classifications (1 of 4 stars). 7 submissions from 7 submitters: Uncertain significance (1); Benign (1); Likely benign (4). 1 of the submissions does not count toward it. Last evaluated 2026-01-09.

Conditions:
Inborn genetic diseases. Identifiers: MedGen C0950123, MeSH D030342.
Pyruvate dehydrogenase complex deficiency (PDHC). Also called: PDH DEFICIENCY; PYRUVATE DECARBOXYLASE DEFICIENCY; Pyruvate Dehydrogenase Complex Deficiency Disease; Pyruvate dehydrogenase deficiency; Ataxia with lactic acidosis 1. Identifiers: Orphanet 765, Orphanet 79243, MedGen C0034345, MONDO:0019169.
Pyruvate dehydrogenase E1-alpha deficiency (PDHAD). Also called: ATAXIA, INTERMITTENT, WITH PYRUVATE DEHYDROGENASE DEFICIENCY; ATAXIA WITH LACTIC ACIDOSIS I; ATAXIA, INTERMITTENT, WITH ABNORMAL PYRUVATE METABOLISM; Ataxia, intermittent, with pyruvate dehydrogenase, or decarboxylase, deficiency. Identifiers: Orphanet 79243, MedGen C1839413, MONDO:0010717, OMIM 312170.

Submissions (7):

Labcorp Genetics (formerly Invitae), Labcorp
Classification: Benign for Pyruvate dehydrogenase E1-alpha deficiency. Last evaluated: 2026-01-09. Review status: criteria provided, single submitter. Criteria: Invitae Variant Classification Sherloc (09022015). Collection method: clinical testing. Allele origin: germline.

Blueprint Genetics
Classification: Likely benign. Last evaluated: 2024-04-12. Review status: criteria provided, single submitter. Criteria: ACMG Guidelines, 2015. Collection method: clinical testing. Allele origin: germline.

CeGaT Center for Human Genetics Tuebingen
Classification: Likely benign. Last evaluated: 2023-12-01. Review status: criteria provided, single submitter. Criteria: CeGaT Center For Human Genetics Tuebingen Variant Classification Criteria Version 2. Collection method: clinical testing. Allele origin: germline. Affected: yes. Observed: 1 variant allele.
Comment: PDHA1: BS2

GeneDx
Classification: Likely benign. Last evaluated: 2022-10-12. Review status: criteria provided, single submitter. Criteria: GeneDx Variant Classification Process June 2021. Collection method: clinical testing. Allele origin: germline. Affected: yes.
Comment: See Variant Classification Assertion Criteria.

Ambry Genetics
Classification: Likely benign for Inborn genetic diseases. Last evaluated: 2021-12-10. Review status: criteria provided, single submitter. Criteria: Ambry Variant Classification Scheme 2023. Collection method: clinical testing. Allele origin: germline.

Genetic Services Laboratory, University of Chicago
Classification: Uncertain significance. Last evaluated: 2015-11-25. Review status: criteria provided, single submitter. Criteria: ACMG Guidelines, 2015. Collection method: clinical testing. Allele origin: germline. Affected: no.

Natera, Inc.
Classification: Likely benign for Pyruvate decarboxylase deficiency. Last evaluated: 2020-03-26. Review status: no assertion criteria provided. Collection method: clinical testing. Allele origin: germline. Not counted in ClinVar's aggregate classification.